The following is an entry in ClinVar:

ClinVar aggregate classification (germline): Benign/Likely benign. Review status: criteria provided, multiple submitters, no conflicts (2 of 4 stars). 2 submissions from 2 submitters: Benign (1); Likely benign (1). Last evaluated 2026-09-01.

Allele frequency attached by ClinVar (database versions not stated): 1000 Genomes Project 30x 0.00141; 1000 Genomes Project 0.00160; TOPMed 0.00605; gnomAD exomes 0.00658 and 0.00813; ExAC 0.00683; gnomAD 0.00698; ESP Exome Variant Server 0.00784.
gnomAD v4.1: 12,048 of 1,510,088 alleles (0.8%); highest among the groups gnomAD compares: Middle Eastern, 0.98%; 74 homozygotes.

Submissions (15):

CeGaT Center for Human Genetics Tuebingen
Classification: Likely benign. Last evaluated: 2026-09-01. Review status: criteria provided, single submitter. Criteria: CeGaT Center For Human Genetics Tuebingen Variant Classification Criteria Version 2. Collection method: clinical testing. Allele origin: germline. Affected: yes. Observed: 22 variant alleles.
Comment: EPRS1: BP4, BS2

Labcorp Genetics (formerly Invitae), Labcorp
Classification: Benign. Last evaluated: 2026-01-19. Review status: criteria provided, single submitter. Criteria: Invitae Variant Classification Sherloc (09022015). Collection method: clinical testing. Allele origin: germline.

Dr. Peter K. Rogan Lab, Western University
No classification provided (evidence only). Condition: Familial cancer of breast. Review status: no classification provided. Collection method: in vitro. Allele origin: not applicable. Functional consequence: retained intron. Not counted in ClinVar's aggregate classification.

Dr. Peter K. Rogan Lab, Western University
No classification provided (evidence only). Condition: Familial cancer of breast. Review status: no classification provided. Collection method: in vitro. Allele origin: not applicable. Functional consequence: retained intron. Not counted in ClinVar's aggregate classification.

Dr. Peter K. Rogan Lab, Western University
No classification provided (evidence only). Condition: Acute myeloid leukemia. Review status: no classification provided. Collection method: in vitro. Allele origin: not applicable. Functional consequence: retained intron. Not counted in ClinVar's aggregate classification.

Dr. Peter K. Rogan Lab, Western University
No classification provided (evidence only). Condition: Cervical cancer. Review status: no classification provided. Collection method: in vitro. Allele origin: not applicable. Functional consequence: retained intron. Not counted in ClinVar's aggregate classification.

Dr. Peter K. Rogan Lab, Western University
No classification provided (evidence only). Condition: Ovarian serous cystadenocarcinoma. Review status: no classification provided. Collection method: in vitro. Allele origin: not applicable. Functional consequence: retained intron. Not counted in ClinVar's aggregate classification.

Dr. Peter K. Rogan Lab, Western University
No classification provided (evidence only). Condition: Ovarian serous cystadenocarcinoma. Review status: no classification provided. Collection method: in vitro. Allele origin: not applicable. Functional consequence: retained intron. Not counted in ClinVar's aggregate classification.

Dr. Peter K. Rogan Lab, Western University
No classification provided (evidence only). Condition: Gastric cancer. Review status: no classification provided. Collection method: in vitro. Allele origin: not applicable. Functional consequence: retained intron. Not counted in ClinVar's aggregate classification.

Dr. Peter K. Rogan Lab, Western University
No classification provided (evidence only). Condition: Gastric cancer. Review status: no classification provided. Collection method: in vitro. Allele origin: not applicable. Functional consequence: retained intron. Not counted in ClinVar's aggregate classification.

Dr. Peter K. Rogan Lab, Western University
No classification provided (evidence only). Condition: Gastric cancer. Review status: no classification provided. Collection method: in vitro. Allele origin: not applicable. Functional consequence: retained intron. Not counted in ClinVar's aggregate classification.

Dr. Peter K. Rogan Lab, Western University
No classification provided (evidence only). Condition: Malignant tumor of esophagus. Review status: no classification provided. Collection method: in vitro. Allele origin: not applicable. Functional consequence: retained intron. Not counted in ClinVar's aggregate classification.

Dr. Peter K. Rogan Lab, Western University
No classification provided (evidence only). Condition: Malignant tumor of esophagus. Review status: no classification provided. Collection method: in vitro. Allele origin: not applicable. Functional consequence: retained intron. Not counted in ClinVar's aggregate classification.

Dr. Peter K. Rogan Lab, Western University
No classification provided (evidence only). Condition: Chronic lymphocytic leukemia/small lymphocytic lymphoma. Review status: no classification provided. Collection method: in vitro. Allele origin: not applicable. Functional consequence: retained intron. Not counted in ClinVar's aggregate classification.

Dr. Peter K. Rogan Lab, Western University
No classification provided (evidence only). Condition: Lymphoma. Review status: no classification provided. Collection method: in vitro. Allele origin: not applicable. Functional consequence: retained intron. Not counted in ClinVar's aggregate classification.

NM_004446.3(EPRS1):c.231+5G>A

Gene: EPRS1 (glutamyl-prolyl-tRNA synthetase 1; minus strand). Cytogenetic location: 1q41.
Variant type: single nucleotide variant.
Coding change: c.231+5G>A on transcript NM_004446.3 (MANE Select); 5 bases into the intron after coding-DNA position 231, G replaced by A.
Molecular consequence: intron variant.
Genome position (GRCh38, 1-based): chr1:220,034,909, C>T on the plus strand (G>A on the coding strand, the complement: EPRS1 is on the minus strand). VCF-style: chr1-220034909-C-T. GRCh37 (hg19) VCF-style: chr1-220208251-C-T.
Identifiers: ClinVar variation 1169391 (VCV001169391.34), dbSNP rs181521242, ClinGen allele CA1400601.